The following is an entry in ClinVar:

ClinVar aggregate classification (germline): Uncertain significance (1 of 4 stars; one submission).

Conditions:
Inborn genetic diseases. Identifiers: MedGen C0950123, MeSH D030342.

Submission:

Ambry Genetics
Classification: Uncertain significance for Inborn genetic diseases. Last evaluated: 2023-06-17. Review status: criteria provided, single submitter. Criteria: Ambry Variant Classification Scheme 2023. Collection method: clinical testing. Allele origin: germline.
Comment: The p.A1880T variant (also known as c.5638G>A), located in coding exon 38 of the LRRK2 gene, results from a G to A substitution at nucleotide position 5638. The alanine at codon 1880 is replaced by threonine, an amino acid with similar properties. This amino acid position is conserved. In addition, this alteration is predicted to be tolerated by in silico analysis. Since supporting evidence is limited at this time, the clinical significance of this alteration remains unclear.

NM_198578.4(LRRK2):c.5638G>A (p.Ala1880Thr)

Gene: LRRK2 (leucine rich repeat kinase 2; plus strand). Cytogenetic location: 12q12.
Variant type: single nucleotide variant.
Coding change: c.5638G>A on transcript NM_198578.4 (MANE Select); coding-DNA position 5638, G replaced by A.
Protein change: p.Ala1880Thr; replaces alanine 1880 with threonine.
Molecular consequence: missense variant.
Genome position (GRCh38, 1-based): chr12:40,323,288, G>A. VCF-style: chr12-40323288-G-A. GRCh37 (hg19) VCF-style: chr12-40717090-G-A.
Other names: short protein forms A1880T.
Identifiers: ClinVar variation 2587230 (VCV002587230.2), dbSNP rs2499889300, ClinGen allele CA384421229.